The following is an entry in ClinVar:

NM_001395413.1(POR):c.459C>T (p.Tyr153=)

Gene: POR (cytochrome p450 oxidoreductase; plus strand). Cytogenetic location: 7q11.23.
Variant type: single nucleotide variant.
Coding change: c.459C>T on transcript NM_001395413.1 (MANE Select); coding-DNA position 459, C replaced by T.
Protein change: p.Tyr153=; no amino-acid change (tyrosine 153 retained).
Molecular consequence: synonymous variant.
Genome position (GRCh38, 1-based): chr7:75,980,440, C>T. VCF-style: chr7-75980440-C-T. GRCh37 (hg19) VCF-style: chr7-75609758-C-T.
Other names: c.468C>T, p.Tyr156= (NM_000941.2, NM_000941.3); c.459C>T, p.Tyr153= (NM_001367562.3, NM_001382657.2, NM_001382658.3 and 2 more transcripts); c.513C>T, p.Tyr171= (NM_001382655.3).
Identifiers: ClinVar variation 2159856 (VCV002159856.6), dbSNP rs782247991, ClinGen allele CA4303642.

ClinVar aggregate classification (germline): Likely benign. Review status: criteria provided, single submitter (1 of 4 stars). 2 submissions from 2 submitters: Likely benign (1). 1 of the submissions does not count toward it. Last evaluated 2024-05-02.

Conditions:
POR-related disorder. Also called: POR-related condition.
Congenital adrenal hyperplasia due to cytochrome P450 oxidoreductase deficiency. Also called: DISORDERED STEROIDOGENESIS DUE TO POR DEFICIENCY. Identifiers: Orphanet 95699, MedGen C1860042, MONDO:0013310, OMIM 613571.

Allele frequency attached by ClinVar (database versions not stated): gnomAD exomes 0.00001; ExAC 0.00002; TOPMed 0.00003.
gnomAD v4.1: 14 of 1,613,282 alleles (0.00087%); highest among the groups gnomAD compares: East Asian, 0.018%; no homozygotes.

Submissions (2):

Labcorp Genetics (formerly Invitae), Labcorp
Classification: Likely benign for Congenital adrenal hyperplasia due to cytochrome P450 oxidoreductase deficiency. Last evaluated: 2024-05-02. Review status: criteria provided, single submitter. Criteria: Invitae Variant Classification Sherloc (09022015). Collection method: clinical testing. Allele origin: germline.

PreventionGenetics, part of Exact Sciences
Classification: Likely benign for POR-related condition. Last evaluated: 2023-11-09. Review status: no assertion criteria provided. Collection method: clinical testing. Allele origin: germline. Not counted in ClinVar's aggregate classification.
Comment: This variant is classified as likely benign based on ACMG/AMP sequence variant interpretation guidelines (Richards et al. 2015 PMID: 25741868, with internal and published modifications).